The following is an entry in ClinVar:

ClinVar aggregate classification (germline): Conflicting classifications of pathogenicity. Review status: criteria provided, conflicting classifications (1 of 4 stars). 3 submissions from 3 submitters: Uncertain significance (2); Likely benign (1). Last evaluated 2026-02-26.

Conditions:
Familial thoracic aortic aneurysm and aortic dissection (TAAD). Also called: Thoracic aortic aneurysms and dissections. Identifiers: Orphanet 91387, MedGen C4707243, MONDO:0019625.
Congenital contractural arachnodactyly (CCA). Also called: BEALS SYNDROME; Arthrogryposis, distal, type 9; Beals-Hecht syndrome. Identifiers: Orphanet 115, MedGen C0220668, MONDO:0007363, OMIM 121050.

Allele frequency attached by ClinVar (database versions not stated): gnomAD 0.00001; gnomAD exomes 0.00002; ExAC 0.00002; TOPMed 0.00002.
gnomAD v4.1: 28 of 1,613,990 alleles (0.0017%); highest among the groups gnomAD compares: South Asian, 0.0011%; no homozygotes.

Submissions (3):

GeneDx
Classification: Uncertain significance. Last evaluated: 2026-02-26. Review status: criteria provided, single submitter. Criteria: GeneDx Variant Classification Process June 2021. Collection method: clinical testing. Allele origin: germline.
Comment: Has not been previously published as pathogenic or benign to our knowledge; In silico analysis supports that this missense variant has a deleterious effect on protein structure/function; This variant is associated with the following publications: (PMID: 19006240, 18767143)

Ambry Genetics
Classification: Uncertain significance for Familial thoracic aortic aneurysm and aortic dissection. Last evaluated: 2025-12-11. Review status: criteria provided, single submitter. Criteria: Ambry Variant Classification Scheme 2023. Collection method: clinical testing. Allele origin: germline.
Comment: The p.C2336Y variant (also known as c.7007G>A), located in coding exon 55 of the FBN2 gene, results from a G to A substitution at nucleotide position 7007. The cysteine at codon 2336 is replaced by tyrosine, an amino acid with highly dissimilar properties. This amino acid position is highly conserved in available vertebrate species. In addition, this alteration is predicted to be deleterious by in silico analysis. Based on the available evidence, the clinical significance of this variant remains unclear.

Labcorp Genetics (formerly Invitae), Labcorp
Classification: Likely benign for Congenital contractural arachnodactyly. Last evaluated: 2025-07-02. Review status: criteria provided, single submitter. Criteria: Invitae Variant Classification Sherloc (09022015). Collection method: clinical testing. Allele origin: germline.

NM_001999.4(FBN2):c.7007G>A (p.Cys2336Tyr)

Gene: FBN2 (fibrillin 2; minus strand). Cytogenetic location: 5q23.3.
Variant type: single nucleotide variant.
Coding change: c.7007G>A on transcript NM_001999.4 (MANE Select); coding-DNA position 7007, G replaced by A.
Protein change: p.Cys2336Tyr; replaces cysteine 2336 with tyrosine.
Molecular consequence: missense variant.
Genome position (GRCh38, 1-based): chr5:128,286,723, C>T on the plus strand (G>A on the coding strand, the complement: FBN2 is on the minus strand). VCF-style: chr5-128286723-C-T. GRCh37 (hg19) VCF-style: chr5-127622415-C-T.
Other names: short protein forms C2336Y.
Identifiers: ClinVar variation 646858 (VCV000646858.11), dbSNP rs760494751, ClinGen allele CA3394250.